The following is an entry in ClinVar:

ClinVar aggregate classification (germline): Likely pathogenic. Review status: reviewed by expert panel (3 of 4 stars). 10 submissions from 10 submitters: Likely pathogenic (1). 9 of the submissions do not count toward it. Last evaluated 2025-01-09.

Conditions:
Muscular dystrophy, limb-girdle, autosomal dominant 4. Also called: MUSCULAR DYSTROPHY, LIMB-GIRDLE, TYPE 1I; Calpain-3-related limb-girdle muscular dystrophy D4. Identifiers: Orphanet 565909, MedGen C4748295, MONDO:0029133, OMIM 618129.
CAPN3-related disorder. Also called: CAPN3-related disorders; CAPN3-related condition. Identifiers: MedGen CN239245.
Autosomal recessive limb-girdle muscular dystrophy type 2A (LGMDR1). Also called: Muscular dystrophy, limb-girdle, type 2A, Amish; LEYDEN-MOEBIUS MUSCULAR DYSTROPHY; MUSCULAR DYSTROPHY, PELVOFEMORAL; Limb-girdle muscular dystrophy, type 2A; Calpainopathy. Identifiers: Orphanet 267, MedGen C1869123, MONDO:0009675, OMIM 253600. Disease mechanism: loss of function.
Autosomal recessive limb-girdle muscular dystrophy. Identifiers: Orphanet 102015, MedGen C2931907, MONDO:0015152.

Allele frequency attached by ClinVar (database versions not stated): gnomAD exomes 0.00002; ESP Exome Variant Server 0.00008; TOPMed below 0.00001; ExAC 0.00001; gnomAD 0.00001.
gnomAD v4.1: 36 of 1,612,312 alleles (0.0022%); highest among the groups gnomAD compares: Non-Finnish European, 0.003%; no homozygotes.

Submissions (10):

ClinGen Limb Girdle Muscular Dystrophy Variant Curation Expert Panel, ClinGen
Classification: Likely pathogenic for Autosomal recessive limb-girdle muscular dystrophy. Last evaluated: 2025-01-09. Review status: reviewed by expert panel. Criteria: ClinGen LGMD VCEP ACMG Specifications CAPN3 V1.0.0. Collection method: curation. Allele origin: germline. Inheritance: Autosomal recessive inheritance.
Comment: The NM_000070.3: c.1257T>G variant in CAPN3 is a missense variant predicted to cause substitution of aspartic acid by glutamic acid at amino acid 419 (p.Asp419Glu). This variant has been detected in at least ten unrelated individuals with LGMD (PMID: 18055493, 25079074, 30564623; LOVD CAPN3_000280; ClinVar SCV000953543.3 internal data communication, ClinVar SCV002025057.3 internal data communication, ClinVar SCV001879783.1 internal data communication), including in unknown phase with a pathogenic variant in six cases (c.550delA p.(Thr184ArgfsTer36), 1.0 pt, PMID: 18055493, SCV002025057.3; c.1469G>A p.(Arg490Gln), 0.5 pts, ClinVar SCV000953543.3 internal data communication; c.1027G>T p.(Glu343Ter), 0.5 pts, ClinVar SCV000953543.3 internal data communication; c.1838del p.(Lys613ArgfsTer49), 0.5 pts, ClinVar SCV000953543.3 internal data communication; c.643_663del p.(Ser215_Gly221del), 0.5 pts, ClinVar SCV001879783.1 internal data communication) (PM3_Strong). In four individuals, a second variant in CAPN3 was not identified. At least one patient with this variant displayed progressive limb girdle muscle weakness or a clinical suspicion of LGMD (PMID: 18055493) (PP4). The filtering allele frequency of this variant is 0.00006819 (the upper threshold of the 95% CI of 3/113704 European (non-Finnish) exome alleles) by gnomAD v2.1.1, which is less than the LGMD VCEP threshold (≤0.0001) (PM2_Supporting). The computational predictor REVEL gives a score of 0.83, which exceeds the VCEP threshold of ≥0.70, evidence that correlates with impact to CAPN3 function (PP3). In summary, this variant meets the criteria to be classified as Likely Pathogenic for autosomal recessive limb girdle muscular dystrophy based on the ACMG/AMP criteria applied, as specified by the ClinGen LGMD VCEP (LGMD VCEP specifications version 1.0.0; 01/09/2025): PM3_Strong, PP4, PM2_Supporting, PP3.

GeneDx
Classification: Uncertain significance. Last evaluated: 2026-04-12. Review status: criteria provided, single submitter. Criteria: GeneDx Variant Classification Process June 2021. Collection method: clinical testing. Allele origin: germline. Not counted in ClinVar's aggregate classification.
Comment: Observed with a pathogenic variant in a patient in the published literature with Limb-girdle muscular dystrophy, but it is unknown whether the variants occurred on the same allele (in cis) or on different alleles (in trans) (PMID: 18055493); Identified in the heterozygous state in a patient with late onset pelvifemoral LGMD2A (PMID: 25079074); In silico analysis supports that this missense variant has a deleterious effect on protein structure/function; This variant is associated with the following publications: (PMID: 31589614, 19226146, 25079074, 18055493)

Natera, Inc.
Classification: Likely pathogenic for Limb-girdle muscular dystrophy type 2A. Last evaluated: 2025-09-02. Review status: criteria provided, single submitter. Criteria: Natera Variant Classification Schema (03/2026). Collection method: clinical testing. Allele origin: germline. Not counted in ClinVar's aggregate classification.
Comment: The c.1257T>G variant in CAPN3 is a missense variant predicted to cause substitution of aspartic acid to glutamic acid at amino acid 419. This variant is rare in the general population with a frequency below the threshold expected for the associated phenotype(s). This variant has been observed in one or more individuals affected with the associated recessive disease, as either homozygous or compound heterozygous with a second variant (PMID: 30564623, 29382405, 18055493). Additionally, this variant has been observed to segregate in affected family members (PMID: 18055493). Given the available evidence, this variant is classified as Likely Pathogenic.

Revvity Omics, Revvity
Classification: Likely pathogenic. Last evaluated: 2025-04-18. Review status: criteria provided, single submitter. Criteria: ACMG Guidelines, 2015. Collection method: clinical testing. Allele origin: germline. Not counted in ClinVar's aggregate classification.

Myriad Genetics, Inc.
Classification: Likely pathogenic for Autosomal recessive limb-girdle muscular dystrophy type 2A. Last evaluated: 2025-01-23. Review status: criteria provided, single submitter. Criteria: Myriad Autosomal Dominant, Autosomal Recessive and X-Linked Classification Criteria (2023). Collection method: clinical testing. Allele origin: unknown. Not counted in ClinVar's aggregate classification.
Comment: NM_000070.2(CAPN3):c.1257T>G(D419E) is a missense variant classified as likely pathogenic in the context of calpainopathy. D419E has been observed in cases with relevant disease (PMID: 18055493, 29382405, 30564623). Relevant functional assessments of this variant are not available in the literature. D419E has been observed in referenced population frequency databases. In summary, NM_000070.2(CAPN3):c.1257T>G(D419E) is a missense variant that has been observed more frequently in cases with the relevant disease than in healthy populations. Please note: this variant was assessed in the context of healthy population screening.

Labcorp Genetics (formerly Invitae), Labcorp
Classification: Uncertain significance for Autosomal recessive limb-girdle muscular dystrophy type 2A. Last evaluated: 2024-09-09. Review status: criteria provided, single submitter. Criteria: Invitae Variant Classification Sherloc (09022015). Collection method: clinical testing. Allele origin: germline. Not counted in ClinVar's aggregate classification.
Comment: This sequence change replaces aspartic acid, which is acidic and polar, with glutamic acid, which is acidic and polar, at codon 419 of the CAPN3 protein (p.Asp419Glu). This variant is present in population databases (rs139836397, gnomAD 0.007%). This missense change has been observed in individual(s) with clinical features of limb-girdle muscular dystrophy (PMID: 18055493, 25079074). ClinVar contains an entry for this variant (Variation ID: 282873). Invitae Evidence Modeling of protein sequence and biophysical properties (such as structural, functional, and spatial information, amino acid conservation, physicochemical variation, residue mobility, and thermodynamic stability) indicates that this missense variant is not expected to disrupt CAPN3 protein function with a negative predictive value of 80%. Experimental studies have shown that this missense change affects CAPN3 function (PMID: 19226146). In summary, the available evidence is currently insufficient to determine the role of this variant in disease. Therefore, it has been classified as a Variant of Uncertain Significance.

Baylor Genetics
Classification: Likely pathogenic for Muscular dystrophy, limb-girdle, autosomal dominant 4. Last evaluated: 2024-03-07. Review status: criteria provided, single submitter. Criteria: ACMG Guidelines, 2015. Collection method: clinical testing. Allele origin: unknown. Not counted in ClinVar's aggregate classification.

Athena Diagnostics
Classification: Uncertain significance. Last evaluated: 2020-11-10. Review status: criteria provided, single submitter. Criteria: Athena Diagnostics criteria. Collection method: clinical testing. Allele origin: unknown. Not counted in ClinVar's aggregate classification.

Eurofins Ntd Llc (ga)
Classification: Likely pathogenic. Last evaluated: 2018-05-09. Review status: criteria provided, single submitter. Criteria: EGL ClinVar v180209 classification definitions. Collection method: clinical testing. Allele origin: germline. Observed: 5 variant alleles, 5 heterozygotes. Not counted in ClinVar's aggregate classification.

PreventionGenetics, part of Exact Sciences
Classification: Likely pathogenic for CAPN3-related condition. Last evaluated: 2024-09-27. Review status: no assertion criteria provided. Collection method: clinical testing. Allele origin: germline. Not counted in ClinVar's aggregate classification.
Comment: The CAPN3 c.1257T>G variant is predicted to result in the amino acid substitution p.Asp419Glu. This variant was reported along with a second early termination change (phase not specified) in two brothers with limb-girdle muscular dystrophy (LGMD), and functional studies support its pathogenicity (Groen et al. 2007. PubMed ID: 18055493; Garnham et al. 2009. PubMed ID: 19226146). It has also been reported in the heterozygous state in one carrier and one affected individual in whom no second CAPN3 variant was detected (Capalbo et al. 2019. PubMed ID: 31589614; Nilsson et al. 2014. PubMed ID: 25079074). A different amino acid change at same position (p.Asp419Gly) has also been reported along with a second CAPN3 variant in patient with LGMD (Groen et al. 2007. PubMed ID: 18055493). This variant is reported in 0.0062% of alleles in individuals of African descent in gnomAD. This variant is interpreted as likely pathogenic.

Literature cited by the submitters: PubMed 30564623 (cited by Natera, Inc. and Myriad Genetics, Inc.); PubMed 29382405 (cited by Natera, Inc. and Myriad Genetics, Inc.); PubMed 18055493 (cited by 5 submitters); PubMed 25079074 (cited by 3 submitters); PubMed 19226146 (cited by 3 submitters).

NM_000070.3(CAPN3):c.1257T>G (p.Asp419Glu)

Gene: CAPN3 (calpain 3; plus strand). Cytogenetic location: 15q15.1.
Variant type: single nucleotide variant.
Coding change: c.1257T>G on transcript NM_000070.3 (MANE Select); coding-DNA position 1257, T replaced by G.
Protein change: p.Asp419Glu; replaces aspartic acid 419 with glutamic acid.
Molecular consequence: missense variant.
Genome position (GRCh38, 1-based): chr15:42,399,555, T>G. VCF-style: chr15-42399555-T-G. GRCh37 (hg19) VCF-style: chr15-42691753-T-G.
Other names: NM_000070.3(CAPN3):c.1257T>G; p.Asp419Glu; c.1257T>G, p.Asp419Glu (NM_024344.2); c.1113T>G, p.Asp371Glu (NM_173087.2); short protein forms D419E, D371E.
Identifiers: ClinVar variation 282873 (VCV000282873.22), dbSNP rs139836397, ClinGen allele CA7511304.
Genomic context (GRCh38, chr15:42,399,555, plus strand): 5'-GTCCTATGAGGATTTCATCTACCATTTCACAAAGTTGGAGATCTGCAACCTCACGGCCGA[T>G]GCTCTGCAGTCTGACAAGCTTCAGACCTGGACAGTGTCTGTGAACGAGGGCCGCTGGGTA-3'
Protein context (NP_000061.1, residues 409-429): TKLEICNLTA[Asp419Glu]ALQSDKLQTW